The following is an entry in ClinVar:

NM_181426.2(CCDC39):c.210+2T>C

Gene: CCDC39 (coiled-coil domain 39 molecular ruler complex subunit; minus strand). Cytogenetic location: 3q26.33.
Variant type: single nucleotide variant.
Coding change: c.210+2T>C on transcript NM_181426.2 (MANE Select); the canonical splice donor site of the intron after coding-DNA position 210, T replaced by C.
Molecular consequence: splice donor variant.
Genome position (GRCh38, 1-based): chr3:180,663,865, A>G on the plus strand (T>C on the coding strand, the complement: CCDC39 is on the minus strand). VCF-style: chr3-180663865-A-G. GRCh37 (hg19) VCF-style: chr3-180381653-A-G.
Identifiers: ClinVar variation 1916247 (VCV001916247.7), dbSNP rs779447025, ClinGen allele CA355304160.

ClinVar aggregate classification (germline): Pathogenic. Review status: criteria provided, multiple submitters, no conflicts (2 of 4 stars). 2 submissions from 2 submitters: Pathogenic (2). Last evaluated 2024-06-27.

Conditions:
Primary ciliary dyskinesia. Also called: Ciliary dyskinesia. Identifiers: Orphanet 244, MedGen C0008780, MONDO:0016575, HP:0012265.
Primary ciliary dyskinesia 14. Also called: CILIARY DYSKINESIA, PRIMARY, 14, WITH OR WITHOUT SITUS INVERSUS. Identifiers: Orphanet 244, MedGen C3151136, MONDO:0013434, OMIM 613807.

Submissions (2):

3billion
Classification: Pathogenic for Primary ciliary dyskinesia 14. Last evaluated: 2024-06-27. Review status: criteria provided, single submitter. Criteria: ACMG Guidelines, 2015. Collection method: clinical testing. Allele origin: germline. Affected: yes.
Comment: The variant is not observed in the gnomAD v4.0.0 dataset. Predicted Consequence/Location: Canonical splice site: predicted to alter splicing and result in a loss or disruption of normal protein function. Multiple pathogenic loss-of-function variants are reported downstream of the variant. The variant has been reported at least twice as pathogenic without evidence for the classification (ClinVar ID: VCV001916247 /PMID: 31650533 /3billion dataset). Therefore, this variant is classified as Pathogenic according to the recommendation of ACMG/AMP guideline.

Labcorp Genetics (formerly Invitae), Labcorp
Classification: Pathogenic for Primary ciliary dyskinesia. Last evaluated: 2022-06-23. Review status: criteria provided, single submitter. Criteria: Invitae Variant Classification Sherloc (09022015). Collection method: clinical testing. Allele origin: germline.
Comment: For these reasons, this variant has been classified as Pathogenic. Algorithms developed to predict the effect of sequence changes on RNA splicing suggest that this variant may disrupt the consensus splice site. Disruption of this splice site has been observed in individual(s) with primary ciliary dyskinesia (PMID: 31650533). This sequence change affects a donor splice site in intron 2 of the CCDC39 gene. It is expected to disrupt RNA splicing. Variants that disrupt the donor or acceptor splice site typically lead to a loss of protein function (PMID: 16199547), and loss-of-function variants in CCDC39 are known to be pathogenic (PMID: 21131972, 23255504). This variant is not present in population databases (gnomAD no frequency).

Literature cited by the submitters: PubMed 31650533 (cited by 3billion and Labcorp Genetics (formerly Invitae), Labcorp); PubMed 16199547 (cited by Labcorp Genetics (formerly Invitae), Labcorp); PubMed 21131972 (cited by Labcorp Genetics (formerly Invitae), Labcorp); PubMed 23255504 (cited by Labcorp Genetics (formerly Invitae), Labcorp).